The following is an entry in ClinVar:

ClinVar aggregate classification (germline): Likely benign. Review status: criteria provided, multiple submitters, no conflicts (2 of 4 stars). 2 submissions from 2 submitters: Likely benign (2). Last evaluated 2026-05-12.

Conditions:
Neurofibromatosis, type 1 (NF1). Also called: VON RECKLINGHAUSEN DISEASE; NEUROFIBROMATOSIS, TYPE I, SOMATIC; Peripheral type neurofibromatosis; Neurofibromatosis, type I. Identifiers: Orphanet 636, MedGen C0027831, MONDO:0018975, OMIM 162200. Disease mechanism: loss of function.

Submissions (2):

Myriad Genetics, Inc.
Classification: Likely benign for Neurofibromatosis, type 1. Last evaluated: 2026-05-12. Review status: criteria provided, single submitter. Criteria: Myriad Autosomal Dominant, Autosomal Recessive and X-Linked Classification Criteria (2023). Collection method: clinical testing. Allele origin: unknown.
Comment: This variant is considered likely benign. This variant is intronic and is not expected to impact mRNA splicing.

Labcorp Genetics (formerly Invitae), Labcorp
Classification: Likely benign for Neurofibromatosis, type 1. Last evaluated: 2025-09-14. Review status: criteria provided, single submitter. Criteria: Invitae Variant Classification Sherloc (09022015). Collection method: clinical testing. Allele origin: germline.

NM_001042492.3(NF1):c.2251+7G>A

Gene: NF1 (neurofibromin 1; plus strand). Cytogenetic location: 17q11.2.
Variant type: single nucleotide variant.
Coding change: c.2251+7G>A on transcript NM_001042492.3 (MANE Select); 7 bases into the intron after coding-DNA position 2251, G replaced by A.
Molecular consequence: intron variant.
Genome position (GRCh38, 1-based): chr17:31,226,691, G>A. VCF-style: chr17-31226691-G-A. GRCh37 (hg19) VCF-style: chr17-29553709-G-A.
Other names: c.2251+7G>A (NM_000267.4).
Identifiers: ClinVar variation 4770929 (VCV004770929.2).